The following is an entry in ClinVar:

ClinVar aggregate classification (germline): Uncertain significance (1 of 4 stars; one submission).

Conditions:
Familial thoracic aortic aneurysm and aortic dissection (TAAD). Also called: Thoracic aortic aneurysms and dissections. Identifiers: Orphanet 91387, MedGen C4707243, MONDO:0019625.
Marfan syndrome (MFS). Also called: FBN1-Related Marfan Syndrome; Marfan's syndrome; MARFAN SYNDROME, TYPE I; Marfan syndrome type 1; Marfan syndrome, classic. Identifiers: Orphanet 284963, Orphanet 558, MedGen C0024796, MONDO:0007947, OMIM 154700.

Submission:

Labcorp Genetics (formerly Invitae), Labcorp
Classification: Uncertain significance for Marfan syndrome; Familial thoracic aortic aneurysm and aortic dissection. Last evaluated: 2019-02-22. Review status: criteria provided, single submitter. Criteria: Invitae Variant Classification Sherloc (09022015). Collection method: clinical testing. Allele origin: germline.
Comment: In summary, the available evidence is currently insufficient to determine the role of this variant in disease. Therefore, it has been classified as a Variant of Uncertain Significance. Nucleotide substitutions within the consensus splice site are a relatively common cause of aberrant splicing (PMID: 17576681, 9536098). Algorithms developed to predict the effect of sequence changes on RNA splicing suggest that this variant is not likely to affect RNA splicing, but this prediction has not been confirmed by published transcriptional studies. This variant is not present in population databases (ExAC no frequency). This sequence change falls in intron 52 of the FBN1 gene. It does not directly change the encoded amino acid sequence of the FBN1 protein, but it affects a nucleotide within the consensus splice site of the intron.

Literature cited by the submitters: PubMed 17576681; PubMed 9536098.

NM_000138.5(FBN1):c.6379+3C>G

Gene: FBN1 (fibrillin 1; minus strand). Cytogenetic location: 15q21.1.
Variant type: single nucleotide variant.
Coding change: c.6379+3C>G on transcript NM_000138.5 (MANE Select); 3 bases into the intron after coding-DNA position 6379, C replaced by G.
Molecular consequence: intron variant.
Genome position (GRCh38, 1-based): chr15:48,437,319, G>C on the plus strand (C>G on the coding strand, the complement: FBN1 is on the minus strand). VCF-style: chr15-48437319-G-C. GRCh37 (hg19) VCF-style: chr15-48729516-G-C.
Identifiers: ClinVar variation 841604 (VCV000841604.9), dbSNP rs2043081154, ClinGen allele CA916082411.